The following is an entry in ClinVar:

ClinVar aggregate classification (germline): Likely benign (1 of 4 stars; one submission).

gnomAD v4.1: 23 of 1,611,526 alleles (0.0014%); highest among the groups gnomAD compares: African/African-American, 0.026%; no homozygotes.

Submission:

Mayo Clinic Laboratories, Mayo Clinic
Classification: Likely benign. Last evaluated: 2025-02-04. Review status: criteria provided, single submitter. Criteria: ACMG Guidelines, 2015. Collection method: clinical testing. Allele origin: germline. Observed: 1 variant allele.
Comment: BP4, BP7

NM_001201550.3(CFHR4):c.363T>C (p.Tyr121=)

Gene: CFHR4 (complement factor H related 4; plus strand). Cytogenetic location: 1q31.3.
Variant type: single nucleotide variant.
Coding change: c.363T>C on transcript NM_001201550.3 (MANE Select); coding-DNA position 363, T replaced by C.
Protein change: p.Tyr121=; no amino-acid change (tyrosine 121 retained).
Molecular consequence: synonymous variant. On other transcripts: intron variant (1).
Genome position (GRCh38, 1-based): chr1:196,905,214, T>C. VCF-style: chr1-196905214-T-C. GRCh37 (hg19) VCF-style: chr1-196874344-T-C.
Other names: p.Tyr120=; c.360T>C, p.Tyr120= (NM_001201551.2); c.256+2599T>C (NM_006684.5).
Identifiers: ClinVar variation 4683978 (VCV004683978.1).